The following is an entry in ClinVar:

ClinVar aggregate classification (germline): Conflicting classifications of pathogenicity. Review status: criteria provided, conflicting classifications (1 of 4 stars). 7 submissions from 7 submitters: Uncertain significance (2); Likely benign (5). Last evaluated 2026-09-01.

Conditions:
Inborn genetic diseases. Identifiers: MedGen C0950123, MeSH D030342.
PLEC-related disorder. Also called: PLEC-related disorders; PLEC-related condition.
Epidermolysis bullosa simplex, Ogna type (EBS5A). Also called: Pidermolysis bullosa simplex 5A, Ogna type; EPIDERMOLYSIS BULLOSA SIMPLEX 5A, OGNA TYPE. Identifiers: Orphanet 79401, MedGen C0432317, MONDO:0007555, OMIM 131950.
Epidermolysis bullosa simplex 5C, with pyloric atresia (EBS5C). Also called: PLEC-Related Epidermolysis Bullosa with Pyloric Atresia; Epidermolysis bullosa simplex with pyloric atresia; PLEC1-Related Epidermolysis Bullosa with Pyloric Atresia. Identifiers: Orphanet 158684, MedGen C2677349, MONDO:0012807, OMIM 612138.
Autosomal recessive limb-girdle muscular dystrophy type 2Q (LGMDR17). Also called: MUSCULAR DYSTROPHY, LIMB-GIRDLE, AUTOSOMAL RECESSIVE 17. Identifiers: Orphanet 254361, MedGen C3150989, MONDO:0013390, OMIM 613723.
Epidermolysis bullosa simplex 5B, with muscular dystrophy (EBS5B). Also called: Epidermolysis bullosa simplex with muscular dystrophy; EPIDERMOLYSIS BULLOSA SIMPLEX AND LIMB-GIRDLE MUSCULAR DYSTROPHY. Identifiers: Orphanet 257, MedGen C2931072, MONDO:0009181, OMIM 226670.
Epidermolysis bullosa simplex with nail dystrophy (EBS5D). Identifiers: MedGen C4225309, MONDO:0014661, OMIM 616487.

Allele frequency attached by ClinVar (database versions not stated): ESP Exome Variant Server 0.00008; gnomAD 0.00012; gnomAD exomes 0.00012 and 0.00026; TOPMed 0.00019; ExAC 0.00025.
gnomAD v4.1: 190 of 1,601,370 alleles (0.012%); highest among the groups gnomAD compares: Admixed American, 0.1%; 2 homozygotes.

Submissions (7):

CeGaT Center for Human Genetics Tuebingen
Classification: Likely benign. Last evaluated: 2026-09-01. Review status: criteria provided, single submitter. Criteria: CeGaT Center For Human Genetics Tuebingen Variant Classification Criteria Version 2. Collection method: clinical testing. Allele origin: germline. Affected: yes. Observed: 1 variant allele.
Comment: PLEC: BP4

Labcorp Genetics (formerly Invitae), Labcorp
Classification: Likely benign for Autosomal recessive limb-girdle muscular dystrophy type 2Q; Epidermolysis bullosa simplex, Ogna type; Epidermolysis bullosa simplex with nail dystrophy; Epidermolysis bullosa simplex 5C, with pyloric atresia; Epidermolysis bullosa simplex 5B, with muscular dystrophy. Last evaluated: 2026-01-10. Review status: criteria provided, single submitter. Criteria: Invitae Variant Classification Sherloc (09022015). Collection method: clinical testing. Allele origin: germline.

PreventionGenetics, part of Exact Sciences
Classification: Likely benign for PLEC-related condition. Last evaluated: 2025-12-31. Review status: criteria provided, single submitter. Criteria: ACMG Guidelines, 2015. Collection method: clinical testing. Allele origin: germline.
Comment: This variant is classified as likely benign based on ACMG/AMP sequence variant interpretation guidelines (Richards et al. 2015 PMID: 25741868, with internal and published modifications).

Ambry Genetics
Classification: Likely benign for Inborn genetic diseases. Last evaluated: 2021-07-06. Review status: criteria provided, single submitter. Criteria: Ambry Variant Classification Scheme 2023. Collection method: clinical testing. Allele origin: germline.

Revvity Omics, Revvity
Classification: Uncertain significance. Last evaluated: 2021-04-26. Review status: criteria provided, single submitter. Criteria: ACMG Guidelines, 2015. Collection method: clinical testing. Allele origin: germline.

GeneDx
Classification: Likely benign. Last evaluated: 2019-12-23. Review status: criteria provided, single submitter. Criteria: GeneDx Variant Classification Process June 2021. Collection method: clinical testing. Allele origin: germline. Affected: yes.

Eurofins Ntd Llc (ga)
Classification: Uncertain significance. Last evaluated: 2018-06-05. Review status: criteria provided, single submitter. Criteria: EGL ClinVar v180209 classification definitions. Collection method: clinical testing. Allele origin: germline. Observed: 2 variant alleles, 2 heterozygotes.

NM_201384.3(PLEC):c.3287G>A (p.Arg1096His)

Gene: PLEC (plectin; minus strand). Cytogenetic location: 8q24.3.
Variant type: single nucleotide variant.
Coding change: c.3287G>A on transcript NM_201384.3 (MANE Select); coding-DNA position 3287, G replaced by A.
Protein change: p.Arg1096His; replaces arginine 1096 with histidine.
Molecular consequence: missense variant.
Genome position (GRCh38, 1-based): chr8:143,927,966, C>T on the plus strand (G>A on the coding strand, the complement: PLEC is on the minus strand). VCF-style: chr8-143927966-C-T. GRCh37 (hg19) VCF-style: chr8-145002134-C-T.
Other names: c.3368G>A, p.Arg1123His (NM_000445.5); c.3245G>A, p.Arg1082His (NM_201378.4); c.3221G>A, p.Arg1074His (NM_201379.3); c.3698G>A, p.Arg1233His (NM_201380.4); c.3191G>A, p.Arg1064His (NM_201381.3); c.3287G>A, p.Arg1096His (NM_201382.4); c.3299G>A, p.Arg1100His (NM_201383.3); short protein forms R1100H, R1233H, R1074H, R1064H, R1082H, R1096H, R1123H.
Identifiers: ClinVar variation 572965 (VCV000572965.27), dbSNP rs375617818, ClinGen allele CA4927135.
Genomic context (GRCh38, chr8:143,927,966, plus strand): 5'-TGGGCCTCCTTGAGCTGCTCCTCGTGGGCCCTGAGCACCTCCTCGGCCCCCTGCGTGCCG[C>T]GGATCACCAGGCTGATGGTCTTGAGCCTGGCGGGAAAGCGGGGCTCAGGGCCATGACATG-3'
Protein context (NP_958786.1, residues 1086-1106): EKLKTISLVI[Arg1096His]GTQGAEEVLR